The following is an entry in ClinVar:

ClinVar aggregate classification (germline): Uncertain significance (1 of 4 stars; one submission).

Allele frequency attached by ClinVar (database versions not stated): TOPMed below 0.00001; gnomAD 0.00001; ExAC 0.00002; gnomAD exomes 0.00001 and 0.00003.
gnomAD v4.1: 7 of 1,611,146 alleles (0.00043%); highest among the groups gnomAD compares: Admixed American, 0.012%; no homozygotes.

Submission:

Labcorp Genetics (formerly Invitae), Labcorp
Classification: Uncertain significance. Last evaluated: 2022-08-12. Review status: criteria provided, single submitter. Criteria: Invitae Variant Classification Sherloc (09022015). Collection method: clinical testing. Allele origin: germline.
Comment: This sequence change replaces isoleucine, which is neutral and non-polar, with valine, which is neutral and non-polar, at codon 828 of the MTHFD1 protein (p.Ile828Val). This variant is present in population databases (rs758271489, gnomAD 0.02%). This variant has not been reported in the literature in individuals affected with MTHFD1-related conditions. ClinVar contains an entry for this variant (Variation ID: 1516903). Algorithms developed to predict the effect of missense changes on protein structure and function (SIFT, PolyPhen-2, Align-GVGD) all suggest that this variant is likely to be tolerated. In summary, the available evidence is currently insufficient to determine the role of this variant in disease. Therefore, it has been classified as a Variant of Uncertain Significance.

NM_005956.4(MTHFD1):c.2482A>G (p.Ile828Val)

Genes: MTHFD1 (methylenetetrahydrofolate dehydrogenase, cyclohydrolase and formyltetrahydrofolate synthetase 1; plus strand), ZBTB25 (zinc finger and BTB domain containing 25; minus strand). Cytogenetic location: 14q23.3.
Variant type: single nucleotide variant.
Coding change: c.2482A>G on transcript NM_005956.4 (MANE Select); coding-DNA position 2482, A replaced by G.
Protein change: p.Ile828Val; replaces isoleucine 828 with valine.
Molecular consequence: missense variant. On other transcripts: intron variant (1).
Genome position (GRCh38, 1-based): chr14:64,453,778, A>G. VCF-style: chr14-64453778-A-G. GRCh37 (hg19) VCF-style: chr14-64920496-A-G.
Other names: c.2482A>G, p.Ile828Val (NM_001364837.1); c.174-4140T>C (NM_001304508.1); short protein forms I828V.
Identifiers: ClinVar variation 1516903 (VCV001516903.4), dbSNP rs758271489, ClinGen allele CA7226619.